The following is an entry in ClinVar:

NM_000536.4(RAG2):c.119C>A (p.Ser40Tyr)

Gene: RAG2 (recombination activating 2; minus strand). Cytogenetic location: 11p12.
Variant type: single nucleotide variant.
Coding change: c.119C>A on transcript NM_000536.4 (MANE Select); coding-DNA position 119, C replaced by A.
Protein change: p.Ser40Tyr; replaces serine 40 with tyrosine.
Molecular consequence: missense variant.
Genome position (GRCh38, 1-based): chr11:36,594,050, G>T on the plus strand (C>A on the coding strand, the complement: RAG2 is on the minus strand). VCF-style: chr11-36594050-G-T. GRCh37 (hg19) VCF-style: chr11-36615600-G-T.
Other names: c.119C>A, p.Ser40Tyr (NM_001243785.2, NM_001243786.2); short protein forms S40Y.
Identifiers: ClinVar variation 1369588 (VCV001369588.6), dbSNP rs762460908, ClinGen allele CA5950623.

ClinVar aggregate classification (germline): Uncertain significance (1 of 4 stars; one submission).

Conditions:
Severe combined immunodeficiency, autosomal recessive, T cell-negative, B cell-negative, NK cell-positive. Also called: SCID, AR, T-cell negative, B-cell negative, NK cell-positive; SCID, T CELL-NEGATIVE, B CELL-NEGATIVE, NK CELL-POSITIVE; Severe combined immunodeficiency due to complete RAG1/2 deficiency. Identifiers: Orphanet 331206, MedGen C1832322, MONDO:0011086, OMIM 601457.
Combined immunodeficiency with skin granulomas. Identifiers: Orphanet 157949, MedGen C2673536, MONDO:0009306, OMIM 233650.

Allele frequency attached by ClinVar (database versions not stated): ExAC 0.00001; gnomAD exomes 0.00001 and 0.00002.
gnomAD v4.1: 8 of 1,614,086 alleles (0.0005%); highest among the groups gnomAD compares: South Asian, 0.0088%; no homozygotes.

Submission:

Labcorp Genetics (formerly Invitae), Labcorp
Classification: Uncertain significance for Combined immunodeficiency with skin granulomas; Severe combined immunodeficiency, autosomal recessive, T cell-negative, B cell-negative, NK cell-positive. Last evaluated: 2022-11-28. Review status: criteria provided, single submitter. Criteria: Invitae Variant Classification Sherloc (09022015). Collection method: clinical testing. Allele origin: germline.
Comment: This sequence change replaces serine, which is neutral and polar, with tyrosine, which is neutral and polar, at codon 40 of the RAG2 protein (p.Ser40Tyr). This variant is present in population databases (rs762460908, gnomAD 0.01%). This variant has not been reported in the literature in individuals affected with RAG2-related conditions. ClinVar contains an entry for this variant (Variation ID: 1369588). Advanced modeling of protein sequence and biophysical properties (such as structural, functional, and spatial information, amino acid conservation, physicochemical variation, residue mobility, and thermodynamic stability) performed at Invitae indicates that this missense variant is expected to disrupt RAG2 protein function. In summary, the available evidence is currently insufficient to determine the role of this variant in disease. Therefore, it has been classified as a Variant of Uncertain Significance.